The following is an entry in ClinVar:

NM_001376.5(DYNC1H1):c.13670G>C (p.Ser4557Thr)

Gene: DYNC1H1 (dynein cytoplasmic 1 heavy chain 1; plus strand). Cytogenetic location: 14q32.31.
Variant type: single nucleotide variant.
Coding change: c.13670G>C on transcript NM_001376.5 (MANE Select); coding-DNA position 13670, G replaced by C.
Protein change: p.Ser4557Thr; replaces serine 4557 with threonine.
Molecular consequence: missense variant.
Genome position (GRCh38, 1-based): chr14:102,049,868, G>C. VCF-style: chr14-102049868-G-C. GRCh37 (hg19) VCF-style: chr14-102516205-G-C.
Other names: short protein forms S4557T.
Identifiers: ClinVar variation 1056374 (VCV001056374.9), dbSNP rs2152601267, ClinGen allele CA391050897.
Genomic context (GRCh38, chr14:102,049,868, plus strand): 5'-AGGAGCTCTGCCTGGAAGTCAACGTCACCACCTCACAGGGCGCCACCCTTGACGCTTGCA[G>C]CTTCGGAGTCACGGGTGAGTGGAGTCTCACAGAAAATACTGGCTCTTTGCAGGTGACCTC-3'
Protein context (NP_001367.2, residues 4547-4567): TSQGATLDAC[Ser4557Thr]FGVTGLKLQG

ClinVar aggregate classification (germline): Uncertain significance (1 of 4 stars; one submission).

Conditions:
Charcot-Marie-Tooth disease axonal type 2O. Also called: Charcot-Marie-Tooth Neuropathy Type 2O; Charcot-Marie-Tooth disease, axonal, type 20; CHARCOT-MARIE-TOOTH NEUROPATHY, AXONAL, TYPE 2O; CHARCOT-MARIE-TOOTH DISEASE, AXONAL, AUTOSOMAL DOMINANT, TYPE 2O. Identifiers: Orphanet 284232, MedGen C3280220, MONDO:0013644, OMIM 614228.

Submission:

Labcorp Genetics (formerly Invitae), Labcorp
Classification: Uncertain significance for Charcot-Marie-Tooth disease axonal type 2O. Last evaluated: 2022-06-20. Review status: criteria provided, single submitter. Criteria: Invitae Variant Classification Sherloc (09022015). Collection method: clinical testing. Allele origin: germline.
Comment: In summary, the available evidence is currently insufficient to determine the role of this variant in disease. Therefore, it has been classified as a Variant of Uncertain Significance. Advanced modeling of protein sequence and biophysical properties (such as structural, functional, and spatial information, amino acid conservation, physicochemical variation, residue mobility, and thermodynamic stability) performed at Invitae indicates that this missense variant is not expected to disrupt DYNC1H1 protein function. ClinVar contains an entry for this variant (Variation ID: 1056374). This variant has not been reported in the literature in individuals affected with DYNC1H1-related conditions. This variant is not present in population databases (gnomAD no frequency). This sequence change replaces serine, which is neutral and polar, with threonine, which is neutral and polar, at codon 4557 of the DYNC1H1 protein (p.Ser4557Thr).